The following is an entry in ClinVar:

NM_000152.5(GAA):c.2829G>A (p.Met943Ile)

Gene: GAA (alpha glucosidase; plus strand). Cytogenetic location: 17q25.3.
Variant type: single nucleotide variant.
Coding change: c.2829G>A on transcript NM_000152.5 (MANE Select); coding-DNA position 2829, G replaced by A.
Protein change: p.Met943Ile; replaces methionine 943 with isoleucine.
Molecular consequence: missense variant.
Genome position (GRCh38, 1-based): chr17:80,119,301, G>A. VCF-style: chr17-80119301-G-A. GRCh37 (hg19) VCF-style: chr17-78093100-G-A.
Other names: c.2829G>A, p.Met943Ile (NM_001079803.3, NM_001079804.3); short protein forms M943I.
Identifiers: ClinVar variation 1015823 (VCV001015823.4), dbSNP rs2039430526, ClinGen allele CA401327828.
Genomic context (GRCh38, chr17:80,119,301, plus strand): 5'-GGCTGCTCCATTTGTGCTCTCTCTTTTCCAGGTCCTGGACATCTGTGTCTCGCTGTTGAT[G>A]GGAGAGCAGTTTCTCGTCAGCTGGTGTTAGCCGGGCGGAGTGTGTTAGTCTCTCCAGAGG-3'
Protein context (NP_000143.2, residues 933-952): KVLDICVSLL[Met943Ile]GEQFLVSWC

ClinVar aggregate classification (germline): Uncertain significance (1 of 4 stars; one submission).

Conditions:
Glycogen storage disease, type II (IOPD). Also called: CARDIOMEGALIA GLYCOGENICA DIFFUSA; GLYCOGENOSIS, GENERALIZED, CARDIAC FORM; GSD II; POMPE DISEASE, INFANTILE-ONSET; GLYCOGEN STORAGE DISEASE II, INFANTILE-ONSET; ACID ALPHA-GLUCOSIDASE DEFICIENCY, INFANTILE-ONSET. Identifiers: Orphanet 365, MedGen C0017921, MONDO:0009290, OMIM 232300.

Submission:

Labcorp Genetics (formerly Invitae), Labcorp
Classification: Uncertain significance for Glycogen storage disease, type II. Last evaluated: 2021-10-28. Review status: criteria provided, single submitter. Criteria: Invitae Variant Classification Sherloc (09022015). Collection method: clinical testing. Allele origin: germline.
Comment: This sequence change replaces methionine, which is neutral and non-polar, with isoleucine, which is neutral and non-polar, at codon 943 of the GAA protein (p.Met943Ile). This variant is not present in population databases (gnomAD no frequency). This variant has not been reported in the literature in individuals affected with GAA-related conditions. ClinVar contains an entry for this variant (Variation ID: 1015823). Advanced modeling of protein sequence and biophysical properties (such as structural, functional, and spatial information, amino acid conservation, physicochemical variation, residue mobility, and thermodynamic stability) performed at Invitae indicates that this missense variant is not expected to disrupt GAA protein function. Algorithms developed to predict the effect of sequence changes on RNA splicing suggest that this variant may create or strengthen a splice site. In summary, the available evidence is currently insufficient to determine the role of this variant in disease. Therefore, it has been classified as a Variant of Uncertain Significance.